The following is an entry in ClinVar:

NM_032119.4(ADGRV1):c.7109G>T (p.Cys2370Phe)

Gene: ADGRV1 (adhesion G protein-coupled receptor V1; plus strand). Cytogenetic location: 5q14.3.
Variant type: single nucleotide variant.
Coding change: c.7109G>T on transcript NM_032119.4 (MANE Select); coding-DNA position 7109, G replaced by T.
Protein change: p.Cys2370Phe; replaces cysteine 2370 with phenylalanine.
Molecular consequence: missense variant. On other transcripts: non-coding transcript variant (1).
Genome position (GRCh38, 1-based): chr5:90,692,762, G>T. VCF-style: chr5-90692762-G-T. GRCh37 (hg19) VCF-style: chr5-89988579-G-T.
Other names: short protein forms C2370F.
Identifiers: ClinVar variation 3367509 (VCV003367509.1).
Genomic context (GRCh38, chr5:90,692,762, plus strand): 5'-GTACAGTAGCCTTTGCTCAGATGGTTTATCGTGTTCAAGAGCCTCTGGAAAGAAGTTCCT[G>T]TGCTAATATAACTGTCAGGCGAAGGTATATGAGATAGCTACTTGCCTCTGTGGGAGTGAT-3'
Protein context (NP_115495.3, residues 2360-2380): RVQEPLERSS[Cys2370Phe]ANITVRRSGG

ClinVar aggregate classification (germline): Uncertain significance (1 of 4 stars; one submission).

gnomAD v4.1: 1 of 1,601,986 alleles (0.000062%); no homozygotes.

Submission:

GeneDx
Classification: Uncertain significance. Last evaluated: 2024-01-05. Review status: criteria provided, single submitter. Criteria: GeneDx Variant Classification Process June 2021. Collection method: clinical testing. Allele origin: germline. Affected: yes.
Comment: Not observed at significant frequency in large population cohorts (gnomAD); In silico analysis supports that this missense variant does not alter protein structure/function; Has not been previously published as pathogenic or benign to our knowledge